The following is an entry in ClinVar:

ClinVar aggregate classification (germline): Uncertain significance (1 of 4 stars; one submission).

Submission:

Labcorp Genetics (formerly Invitae), Labcorp
Classification: Uncertain significance. Last evaluated: 2022-05-21. Review status: criteria provided, single submitter. Criteria: Invitae Variant Classification Sherloc (09022015). Collection method: clinical testing. Allele origin: germline.
Comment: In summary, the available evidence is currently insufficient to determine the role of this variant in disease. Therefore, it has been classified as a Variant of Uncertain Significance. Variants that disrupt the consensus splice site are a relatively common cause of aberrant splicing (PMID: 17576681, 9536098). Algorithms developed to predict the effect of sequence changes on RNA splicing suggest that this variant may disrupt the consensus splice site. This variant has not been reported in the literature in individuals affected with CUL3-related conditions. This variant is not present in population databases (gnomAD no frequency). This sequence change falls in intron 8 of the CUL3 gene. It does not directly change the encoded amino acid sequence of the CUL3 protein. It affects a nucleotide within the consensus splice site.

Literature cited by the submitters: PubMed 17576681; PubMed 9536098.

NM_003590.5(CUL3):c.1206+3_1206+4insTAC

Gene: CUL3 (cullin 3; minus strand). Cytogenetic location: 2q36.2.
Variant type: Insertion.
Coding change: c.1206+3_1206+4insTAC on transcript NM_003590.5 (MANE Select); bases 3 to 4 of the intron after coding-DNA position 1206, TAC inserted.
Molecular consequence: splice donor variant.
Genome position: GRCh38 VCF-style: chr2-224505952-T-TTAG. GRCh37 (hg19) VCF-style: chr2-225370669-T-TTAG.
Other names: c.1008+3_1008+4insTAC (NM_001257197.2); c.1224+3_1224+4insTAC (NM_001257198.2).
Identifiers: ClinVar variation 1997360 (VCV001997360.4), dbSNP rs2469980677, ClinGen allele CA2580065943.